The following is an entry in ClinVar:

NM_002317.7(LOX):c.826G>C (p.Asp276His)

Genes: LOX (lysyl oxidase; minus strand), SRFBP1 (serum response factor binding protein 1; plus strand). Cytogenetic location: 5q23.1.
Variant type: single nucleotide variant.
Coding change: c.826G>C on transcript NM_002317.7 (MANE Select); coding-DNA position 826, G replaced by C.
Protein change: p.Asp276His; replaces aspartic acid 276 with histidine.
Molecular consequence: missense variant. On other transcripts: 5 prime UTR variant (1).
Genome position (GRCh38, 1-based): chr5:122,075,456, C>G on the plus strand (G>C on the coding strand, the complement: LOX is on the minus strand). VCF-style: chr5-122075456-C-G. GRCh37 (hg19) VCF-style: chr5-121411151-C-G.
Other names: c.136G>C, p.Asp46His (NM_001178102.2); c.-66G>C (NM_001317073.1); short protein forms D276H, D46H.
Identifiers: ClinVar variation 2578210 (VCV002578210.1), dbSNP rs2532911391, ClinGen allele CA360882121.

ClinVar aggregate classification (germline): Uncertain significance (1 of 4 stars; one submission).

Submission:

GeneDx
Classification: Uncertain significance. Last evaluated: 2023-09-01. Review status: criteria provided, single submitter. Criteria: GeneDx Variant Classification Process June 2021. Collection method: clinical testing. Allele origin: germline. Affected: yes.
Comment: Not observed at significant frequency in large population cohorts (gnomAD); In silico analysis supports that this missense variant has a deleterious effect on protein structure/function; Has not been previously published as pathogenic or benign to our knowledge